The following is an entry in ClinVar:

NM_025179.4(PLXNA2):c.4272G>A (p.Lys1424=)

Gene: PLXNA2 (plexin A2; minus strand). Cytogenetic location: 1q32.2.
Variant type: single nucleotide variant.
Coding change: c.4272G>A on transcript NM_025179.4 (MANE Select); coding-DNA position 4272, G replaced by A.
Protein change: p.Lys1424=; no amino-acid change (lysine 1424 retained).
Molecular consequence: synonymous variant.
Genome position (GRCh38, 1-based): chr1:208,042,112, C>T on the plus strand (G>A on the coding strand, the complement: PLXNA2 is on the minus strand). VCF-style: chr1-208042112-C-T. GRCh37 (hg19) VCF-style: chr1-208215457-C-T.
Other names: c.4272G>A (NM_025179.3).
Identifiers: ClinVar variation 2181990 (VCV002181990.6), dbSNP rs201813522, ClinGen allele CA1372936.
Genomic context (GRCh38, chr1:208,042,112, plus strand): 5'-GGTTCAGACTCCTGCCACCCTCTCCACCCACTGCTGCGGGCCAGACCTCCGGAGTAGCAG[C>T]TTGGGGTGGTTCTTGTTCTCCAGGTTCTTATCGATGAGGTCAGAGAGCAGCTGCTTGAGG-3'
Protein context (NP_079455.3, residues 1414-1434): DKNLENKNHP[Lys1424=]LLLRRTESVA

ClinVar aggregate classification (germline): Likely benign. Review status: criteria provided, single submitter (1 of 4 stars). 2 submissions from 2 submitters: Likely benign (1). 1 of the submissions does not count toward it. Last evaluated 2025-11-19.

Conditions:
PLXNA2-related disorder. Also called: PLXNA2-related condition.

Allele frequency attached by ClinVar (database versions not stated): ExAC 0.00002; gnomAD exomes 0.00002; gnomAD 0.00012; TOPMed 0.00018; 1000 Genomes Project 0.00020; 1000 Genomes Project 30x 0.00031.
gnomAD v4.1: 52 of 1,614,030 alleles (0.0032%); highest among the groups gnomAD compares: Admixed American, 0.042%; no homozygotes.

Submissions (2):

Labcorp Genetics (formerly Invitae), Labcorp
Classification: Likely benign. Last evaluated: 2025-11-19. Review status: criteria provided, single submitter. Criteria: Invitae Variant Classification Sherloc (09022015). Collection method: clinical testing. Allele origin: germline.

PreventionGenetics, part of Exact Sciences
Classification: Likely benign for PLXNA2-related condition. Last evaluated: 2022-04-27. Review status: no assertion criteria provided. Collection method: clinical testing. Allele origin: germline. Not counted in ClinVar's aggregate classification.
Comment: This variant is classified as likely benign based on ACMG/AMP sequence variant interpretation guidelines (Richards et al. 2015 PMID: 25741868, with internal and published modifications).